The following is an entry in ClinVar:

NM_000238.4(KCNH2):c.346A>C (p.Lys116Gln)

Gene: KCNH2 (potassium voltage-gated channel subfamily H member 2; minus strand). Cytogenetic location: 7q36.1.
Variant type: single nucleotide variant.
Coding change: c.346A>C on transcript NM_000238.4 (MANE Select); coding-DNA position 346, A replaced by C.
Protein change: p.Lys116Gln; replaces lysine 116 with glutamine.
Molecular consequence: missense variant.
Genome position (GRCh38, 1-based): chr7:150,959,698, T>G on the plus strand (A>C on the coding strand, the complement: KCNH2 is on the minus strand). VCF-style: chr7-150959698-T-G. GRCh37 (hg19) VCF-style: chr7-150656786-T-G.
Other names: c.58A>C, p.Lys20Gln (NM_001406753.1, NM_001406756.1); c.169A>C, p.Lys57Gln (NM_001406755.1); c.46A>C, p.Lys16Gln (NM_001406757.1); c.346A>C, p.Lys116Gln (NM_172056.3); short protein forms K20Q, K116Q, K16Q, K57Q.
Identifiers: ClinVar variation 2039445 (VCV002039445.4), dbSNP rs1282709676, ClinGen allele CA369863856.

ClinVar aggregate classification (germline): Uncertain significance (1 of 4 stars; one submission).

Conditions:
Long QT syndrome (LQTS). Identifiers: MedGen C0023976, MeSH D008133, MONDO:0002442. Disease mechanism: loss of function. Inheritance: Various modes of inheritance.

Allele frequency attached by ClinVar (database versions not stated): gnomAD exomes below 0.00001.
gnomAD v4.1: 4 of 1,613,866 alleles (0.00025%); highest among the groups gnomAD compares: Non-Finnish European, 0.00034%; no homozygotes.

Submission:

Labcorp Genetics (formerly Invitae), Labcorp
Classification: Uncertain significance for Long QT syndrome. Last evaluated: 2021-12-10. Review status: criteria provided, single submitter. Criteria: Invitae Variant Classification Sherloc (09022015). Collection method: clinical testing. Allele origin: germline.
Comment: In summary, the available evidence is currently insufficient to determine the role of this variant in disease. Therefore, it has been classified as a Variant of Uncertain Significance. Algorithms developed to predict the effect of sequence changes on RNA splicing suggest that this variant may create or strengthen a splice site. Algorithms developed to predict the effect of missense changes on protein structure and function are either unavailable or do not agree on the potential impact of this missense change (SIFT: "Tolerated"; PolyPhen-2: "Possibly Damaging"; Align-GVGD: "Class C0"). This variant has not been reported in the literature in individuals affected with KCNH2-related conditions. This variant is present in population databases (no rsID available, gnomAD 0.0009%). This sequence change replaces lysine, which is basic and polar, with glutamine, which is neutral and polar, at codon 116 of the KCNH2 protein (p.Lys116Gln).